The following is an entry in ClinVar:

NM_001374353.1(GLI2):c.359C>T (p.Pro120Leu)

Gene: GLI2 (GLI family zinc finger 2; plus strand). Cytogenetic location: 2q14.2.
Variant type: single nucleotide variant.
Coding change: c.359C>T on transcript NM_001374353.1 (MANE Select); coding-DNA position 359, C replaced by T.
Protein change: p.Pro120Leu; replaces proline 120 with leucine.
Molecular consequence: missense variant. On other transcripts: 5 prime UTR variant (1).
Genome position (GRCh38, 1-based): chr2:120,951,347, C>T. VCF-style: chr2-120951347-C-T. GRCh37 (hg19) VCF-style: chr2-121708923-C-T.
Other names: c.359C>T, p.Pro120Leu (NM_001371271.1, NM_005270.5); c.-17C>T (NM_001374354.1); short protein forms P120L.
Identifiers: ClinVar variation 3768618 (VCV003768618.2).

ClinVar aggregate classification (germline): Conflicting classifications of pathogenicity. Review status: criteria provided, conflicting classifications (1 of 4 stars). 2 submissions from 2 submitters: Uncertain significance (1); Likely benign (1). Last evaluated 2026-02-21.

Conditions:
Holoprosencephaly 9 (HPE9). Also called: PITUITARY ANOMALIES WITH HOLOPROSENCEPHALY-LIKE FEATURES; HOLOPROSENCEPHALY WITH MICROPHTHALMIA AND FIRST BRANCHIAL ARCH ANOMALIES. Identifiers: Orphanet 2162, MedGen C1835819, MONDO:0012563, OMIM 610829.

gnomAD v4.1: 18 of 1,589,578 alleles (0.0011%); highest among the groups gnomAD compares: African/African-American, 0.0013%; no homozygotes.

Submissions (2):

Centre for Medical Genetics,  Mumbai
Classification: Likely benign for Holoprosencephaly 9. Last evaluated: 2026-02-21. Review status: criteria provided, single submitter. Criteria: ACMG Guidelines, 2015. Collection method: provider interpretation. Allele origin: germline. Inheritance: Autosomal dominant inheritance. Affected: no. Observed: 1 heterozygote.
Comment: The variant satisfies PM2 criteria; extremely low frequency in gnomAD population databases. The variant satisfies BP4 criteria; for a missense or a splice region variant, computational prediction tools unanimously support a benign effect on the gene. However, the variant satisfies BS2 criteria; present in heterozygous state in an individual that clinically does not have holoprosencephaly 9.

Women's Health and Genetics/Laboratory Corporation of America, LabCorp
Classification: Uncertain significance. Last evaluated: 2025-02-11. Review status: criteria provided, single submitter. Criteria: LabCorp Variant Classification Summary - May 2015. Collection method: clinical testing. Allele origin: germline.
Comment: Variant summary: GLI2 c.359C>T (p.Pro120Leu) results in a non-conservative amino acid change in the encoded protein sequence. Three of five in-silico tools predict a damaging effect of the variant on protein function. The variant allele was found at a frequency of 1.2e-05 in 251026 control chromosomes. The available data on variant occurrences in the general population are insufficient to allow any conclusion about variant significance. To our knowledge, no occurrence of c.359C>T in individuals affected with GLI2-Related Disorders and no experimental evidence demonstrating its impact on protein function have been reported. No submitters have cited clinical-significance assessments for this variant to ClinVar. Based on the evidence outlined above, the variant was classified as uncertain significance.

Literature cited by the submitters: PubMed 14581620 (cited by Centre for Medical Genetics,  Mumbai).